The following is an entry in ClinVar:

NM_000186.4(CFH):c.400T>C (p.Trp134Arg)

Gene: CFH (complement factor H; plus strand). Cytogenetic location: 1q31.3.
Variant type: single nucleotide variant.
Coding change: c.400T>C on transcript NM_000186.4 (MANE Select); coding-DNA position 400, T replaced by C.
Protein change: p.Trp134Arg; replaces tryptophan 134 with arginine.
Molecular consequence: missense variant.
Genome position (GRCh38, 1-based): chr1:196,676,038, T>C. VCF-style: chr1-196676038-T-C. GRCh37 (hg19) VCF-style: chr1-196645168-T-C.
Other names: c.400T>C, p.Trp134Arg (NM_001014975.3); short protein forms W134R.
Identifiers: ClinVar variation 4291688 (VCV004291688.1).
Genomic context (GRCh38, chr1:196,676,038, plus strand): 5'-TTGGTTTTCAGGTATCAATTGCTAGGTGAGATTAATTACCGTGAATGTGACACAGATGGA[T>C]GGACCAATGATATTCCTATATGTGAAGGTAGACATAAAATGTATTTACAAGTATATTGAA-3'
Protein context (NP_000177.2, residues 124-144): INYRECDTDG[Trp134Arg]TNDIPICEVV

ClinVar aggregate classification (germline): Likely pathogenic, low penetrance (1 of 4 stars; one submission).

Conditions:
Atypical hemolytic-uremic syndrome. Identifiers: Orphanet 2134, MedGen C2931788, MONDO:0016244.

Submission:

Genomenon, Inc
Classification: Likely pathogenic, low penetrance for Atypical hemolytic-uremic syndrome. Last evaluated: 2025-10-02. Review status: criteria provided, single submitter. Criteria: Genomenon Sequence Variant Interpretation Standards - Updated. Collection method: curation. Allele origin: germline. Affected: yes.
Comment: CFH p.Trp134Arg (c.400T>C) is a missense variant that changes the amino acid at residue 134 from Tryptophan to Arginine. This variant has been observed in at least one proband affected with atypical hemolytic-uremic syndrome (PMID:23431077;21717289). At least one functional study has demonstrated a substantial alteration in protein function relative to the wild-type (PMID:34189567;36846022). It is absent or not present at a significant frequency in gnomAD. In silico models agree that this variant is possibly or probably damaging. In conclusion, we classify CFH p.Trp134Arg (c.400T>C) as a likely pathogenic, low penetrance variant.

Literature cited by the submitters: PubMed 23431077; PubMed 21717289; PubMed 34189567; PubMed 36846022.